The following is an entry in ClinVar:

NM_001368894.2(PAX6):c.-117dup

Gene: PAX6 (paired box 6; minus strand). Cytogenetic location: 11p13.
Variant type: Duplication.
Coding change: c.-117dup on transcript NM_001368894.2 (MANE Select); 117 bases upstream of the start codon, one base duplicated (T; older notation c.-117dupT).
Molecular consequence: 5 prime UTR variant. On other transcripts: non-coding transcript variant (2), intron variant (2).
Genome position (GRCh38, 1-based): chr11:31,806,914, A duplicated on the plus strand (T on the coding strand, the reverse complement: PAX6 is on the minus strand); the first of 3 consecutive A bases (chr11:31,806,914-31,806,916); duplicating any one gives the same sequence. VCF-style (leftmost placement, unchanged base first): chr11-31806913-T-TA. GRCh37 (hg19) VCF-style: chr11-31828461-T-TA.
Other names: c.-117dup (NM_000280.6, NM_001127612.3, NM_001258462.3 and 30 more transcripts); c.-394dup (NM_001368904.2); c.-898dup (NM_001368905.2); c.-17dup (NM_001368910.2); c.-268+3914dup (NM_001368909.2); c.13+3914dup (NM_001368911.2); c.-117dupT (NM_000280.3).
Identifiers: ClinVar variation 513938 (VCV000513938.2), dbSNP rs1554986858, ClinGen allele CA658797612.

ClinVar aggregate classification (germline): Likely benign (1 of 4 stars; one submission).

Submission:

GeneDx
Classification: Likely benign. Last evaluated: 2017-12-04. Review status: criteria provided, single submitter. Criteria: GeneDx Variant Classification (06012015). Collection method: clinical testing. Allele origin: germline. Affected: yes.
Comment: This variant is considered likely benign or benign based on one or more of the following criteria: it is a conservative change, it occurs at a poorly conserved position in the protein, it is predicted to be benign by multiple in silico algorithms, and/or has population frequency not consistent with disease.